The following is an entry in ClinVar:

NM_025000.4(DCAF17):c.1052_1058del (p.Ala351fs)

Gene: DCAF17 (DDB1 and CUL4 associated factor 17; plus strand). Cytogenetic location: 2q31.1.
Variant type: Deletion.
Coding change: c.1052_1058del on transcript NM_025000.4 (MANE Select); coding-DNA positions 1052 to 1058, 7 bases deleted (CTTCTGG; older notation c.1052_1058delCTTCTGG).
Protein change: p.Ala351fs; shifts the reading frame from alanine 351.
Molecular consequence: frameshift variant. On other transcripts: non-coding transcript variant (1), intron variant (1).
Genome position (GRCh38, 1-based): chr2:171,473,936-171,473,942, CTTCTGG deleted; deleting any 7 consecutive bases within chr2:171,473,935-171,473,942 gives the same sequence; the c. name uses the placement nearest the transcript's 3' end. VCF-style (leftmost placement, unchanged base first): chr2-171473934-TGCTTCTG-T. GRCh37 (hg19) VCF-style: chr2-172330444-TGCTTCTG-T.
Other names: c.982-4051_982-4045del (NM_001164821.2); short protein forms A351fs.
Identifiers: ClinVar variation 2917250 (VCV002917250.3), dbSNP rs1164262350, ClinGen allele CA760700127.

ClinVar aggregate classification (germline): Pathogenic (1 of 4 stars; one submission).

Conditions:
Woodhouse-Sakati syndrome. Also called: Hypogonadism, Alopecia, Diabetes Mellitus, Mental Retardation, and Extrapyramidal Syndrome; Hypogonadism, diabetes mellitus, alopecia, mental retardation and electrocardiographic abnormalities; EXTRAPYRAMIDAL DISORDER, PROGRESSIVE, WITH PRIMARY HYPOGONADISM, MENTAL RETARDATION, AND ALOPECIA. Identifiers: Orphanet 3464, MedGen C0342286, MONDO:0009419, OMIM 241080.

Submission:

Labcorp Genetics (formerly Invitae), Labcorp
Classification: Pathogenic for Woodhouse-Sakati syndrome. Last evaluated: 2023-05-26. Review status: criteria provided, single submitter. Criteria: Invitae Variant Classification Sherloc (09022015). Collection method: clinical testing. Allele origin: germline.
Comment: For these reasons, this variant has been classified as Pathogenic. Algorithms developed to predict the effect of sequence changes on RNA splicing suggest that this variant may disrupt the consensus splice site. This variant has not been reported in the literature in individuals affected with DCAF17-related conditions. This variant is not present in population databases (gnomAD no frequency). This sequence change creates a premature translational stop signal (p.Ala351Valfs*3) in the DCAF17 gene. It is expected to result in an absent or disrupted protein product. Loss-of-function variants in DCAF17 are known to be pathogenic (PMID: 19026396, 20507343).

Literature cited by the submitters: PubMed 19026396; PubMed 20507343.